The following is an entry in ClinVar:

ClinVar aggregate classification (germline): Conflicting classifications of pathogenicity. Review status: criteria provided, conflicting classifications (1 of 4 stars). 10 submissions from 10 submitters: Pathogenic (1); Likely pathogenic (2); Uncertain significance (7). Last evaluated 2026-07-15.

Conditions:
KIF1A-related disorder. Also called: KIF1A-related disorders; KIF1A-related condition.
Hereditary spastic paraplegia 30. Identifiers: Orphanet 101010, MedGen C5235139, MONDO:0012476.
Neuropathy, hereditary sensory, type 2C. Also called: KIF1A-Related HSAN2 (HSAN2C); Hereditary sensory and autonomic neuropathy type IIC. Identifiers: Orphanet 970, MedGen C3280168, MONDO:0013634, OMIM 614213.
Intellectual disability, autosomal dominant 9 (NESCAVS). Also called: NESCAV SYNDROME; KIF1A-Related Neurodevelopmental Disorder. Identifiers: Orphanet 662367, MedGen C5393830, MONDO:0013656, OMIM 614255.

Allele frequency attached by ClinVar (database versions not stated): gnomAD 0.00004; TOPMed 0.00005; gnomAD exomes 0.00006 and 0.00007; ExAC 0.00008.
gnomAD v4.1: 101 of 1,613,706 alleles (0.0063%); highest among the groups gnomAD compares: Non-Finnish European, 0.0069%; no homozygotes.

Submissions (10):

PreventionGenetics, part of Exact Sciences
Classification: Uncertain significance for KIF1A-related condition. Last evaluated: 2026-07-15. Review status: criteria provided, single submitter. Criteria: ACMG Guidelines, 2015. Collection method: clinical testing. Allele origin: germline.
Comment: The KIF1A c.223C>T variant is predicted to result in the amino acid substitution p.Arg75Trp. This variant was reported in a patient presenting with global developmental delay, intellectual disability, weakness of upper and lower limbs, and diabetes who also carried a loss of function variant in PTRH2 (Charles Bronson. 2021. PubMed ID: 33717719). It's also been seen in patients with autism and hereditary spastic paraplegia (Chen. 2021. PubMed ID: 33753861, Méreaux. 2022. PubMed ID: 34983064).However, Additional information supporting the KIF1A c.223C>T variant's pathogenicity were not provided. This variant is reported in 0.016% of alleles in individuals of European (Finnish) descent in gnomAD. Of note, this variant has been observed in >100 heterozygotes in gnomad v4. At this time, the clinical significance of this variant is uncertain due to the absence of conclusive functional and genetic evidence.

GeneDx
Classification: Uncertain significance. Last evaluated: 2025-12-02. Review status: criteria provided, single submitter. Criteria: GeneDx Variant Classification Process June 2021. Collection method: clinical testing. Allele origin: germline. Affected: yes.
Comment: Reported in the heterozygous state and co-occurring with a homozygous variant in the PTRH2 gene in a patient with severe axonal involvement and features of infantile-onset multisystem neurologic, endocrine, and pancreatic disease (IMNEPD) (PMID: 33717719); Reported in a patient with autism spectrum disorder in published literature; however, segregation information was not provided (PMID: 33753861); In silico analysis supports that this missense variant has a deleterious effect on protein structure/function; This variant is associated with the following publications: (PMID: 27124789, Isa 2022, 33717719, 34983064, 33753861, 26125038, 21376300, 21820098)

Labcorp Genetics (formerly Invitae), Labcorp
Classification: Uncertain significance for Hereditary spastic paraplegia 30; Neuropathy, hereditary sensory, type 2C; Intellectual disability, autosomal dominant 9. Last evaluated: 2025-10-29. Review status: criteria provided, single submitter. Criteria: Invitae Variant Classification Sherloc (09022015). Collection method: clinical testing. Allele origin: germline.
Comment: This sequence change replaces arginine, which is basic and polar, with tryptophan, which is neutral and slightly polar, at codon 75 of the KIF1A protein (p.Arg75Trp). This variant is present in population databases (rs778224699, gnomAD 0.02%). This missense change has been observed in individual(s) with clinical features of KIF1A-related conditions (PMID: 27124789, 33717719, 33753861, 34983064). ClinVar contains an entry for this variant (Variation ID: 191158). Invitae Evidence Modeling of protein sequence and biophysical properties (such as structural, functional, and spatial information, amino acid conservation, physicochemical variation, residue mobility, and thermodynamic stability) indicates that this missense variant is expected to disrupt KIF1A protein function with a positive predictive value of 95%. In summary, the available evidence is currently insufficient to determine the role of this variant in disease. Therefore, it has been classified as a Variant of Uncertain Significance.

Women's Health and Genetics/Laboratory Corporation of America, LabCorp
Classification: Uncertain significance. Last evaluated: 2024-09-23. Review status: criteria provided, single submitter. Criteria: LabCorp Variant Classification Summary - May 2015. Collection method: clinical testing. Allele origin: germline.
Comment: Variant summary: KIF1A c.223C>T (p.Arg75Trp) results in a non-conservative amino acid change located in the Kinesin motor domain (IPR001752) of the encoded protein sequence. Five of five in-silico tools predict a damaging effect of the variant on protein function. The variant allele was found at a frequency of 6.4e-05 in 248744 control chromosomes. This frequency is not significantly higher than estimated for a pathogenic variant in KIF1A causing NESCAV Syndrome, allowing no conclusion about variant significance. c.223C>T has been reported in the literature in heterozygous individuals affected with intellectual disability with or without other clinical feaures (Charles Bronson_2021, Chen_2021). These data do not allow any conclusion about variant significance. To our knowledge, no experimental evidence demonstrating an impact on protein function has been reported. The following publications have been ascertained in the context of this evaluation (PMID: 33717719, 33753861, 34983064). ClinVar contains an entry for this variant (Variation ID: 191158). Based on the evidence outlined above, the variant was classified as uncertain significance.

ARUP Laboratories, Molecular Genetics and Genomics, ARUP Laboratories
Classification: Uncertain significance. Last evaluated: 2024-06-18. Review status: criteria provided, single submitter. Criteria: ARUP Molecular Germline Variant Investigation Process 2024. Collection method: clinical testing. Allele origin: germline.
Comment: The KIF1A c.223C>T; p.Arg75Trp variant (rs778224699) is reported in an individual with ataxia, dystonia, spasticity and/or myotonia (Abouelhoda 2016) and two individuals with spastic paraplegia (Mereaux 2022), but has also been described in an individual with an alternative molecular explanation for disease (Charles Bronson 2021). This variant is reported in ClinVar (Variation ID: 191158) and is found in the general population with an overall allele frequency of 0.006% (17/280,134 alleles) in the Genome Aggregation Database (v2.1.1). Computational analyses are uncertain whether this variant is neutral or deleterious (REVEL: 0.653). Due to limited information, the clinical significance of the p.Arg75Trp variant is uncertain at this time. References: Abouelhoda et al. Clinical genomics can facilitate countrywide estimation of autosomal recessive disease burden. Genet Med. 2016 Dec;18(12):1244-1249. PMID: 27124789. Charles Bronson S et al. A Novel Synergistic Association of Variants in PTRH2 and KIF1A Relates to a Syndrome of Hereditary Axonopathy, Outer Hair Cell Dysfunction, Intellectual Disability, Pancreatic Lipomatosis, Diabetes, Cerebellar Atrophy, and Vertebral Artery Hypoplasia. Cureus. 2021 Feb 6;13(2):e13174. PMID: 33717719. Mereaux JL et al. Clinical and genetic spectra of 1550 index patients with hereditary spastic paraplegia. Brain. 2022 Apr 29;145(3):1029-1037. PMID: 34983064.

Blueprint Genetics
Classification: Uncertain significance. Last evaluated: 2024-02-22. Review status: criteria provided, single submitter. Criteria: ACMG Guidelines, 2015. Collection method: clinical testing. Allele origin: germline.

Revvity Omics, Revvity
Classification: Uncertain significance. Last evaluated: 2022-07-13. Review status: criteria provided, single submitter. Criteria: ACMG Guidelines, 2015. Collection method: clinical testing. Allele origin: germline.

Genomic Research Center, Shahid Beheshti University of Medical Sciences
Classification: Likely pathogenic for Intellectual disability, autosomal dominant 9. Last evaluated: 2017-12-18. Review status: criteria provided, single submitter. Criteria: ACMG Guidelines, 2015. Collection method: clinical testing. Allele origin: inherited.

Genomic Medicine Center of Excellence, King Faisal Specialist Hospital and Research Centre
Classification: Likely pathogenic. Review status: criteria provided, single submitter. Criteria: ACMG Guidelines, 2015. Collection method: research. Allele origin: germline. Affected: yes.

Paris Brain Institute, Inserm - ICM
Classification: Pathogenic for Spastic paraplegia 30A, autosomal dominant. Review status: criteria provided, single submitter. Criteria: ACMG Guidelines, 2015. Collection method: clinical testing. Allele origin: unknown. Affected: yes. Observed: 2 variant alleles.

Literature cited by the submitters: PubMed 27124789 (cited by Labcorp Genetics (formerly Invitae), Labcorp); PubMed 33717719 (cited by Labcorp Genetics (formerly Invitae), Labcorp and Women's Health and Genetics/Laboratory Corporation of America, LabCorp); PubMed 33753861 (cited by Labcorp Genetics (formerly Invitae), Labcorp and Women's Health and Genetics/Laboratory Corporation of America, LabCorp); PubMed 34983064 (cited by Labcorp Genetics (formerly Invitae), Labcorp and Women's Health and Genetics/Laboratory Corporation of America, LabCorp).

NM_001244008.2(KIF1A):c.223C>T (p.Arg75Trp)

Gene: KIF1A (kinesin family member 1A; minus strand). Cytogenetic location: 2q37.3.
Variant type: single nucleotide variant.
Coding change: c.223C>T on transcript NM_001244008.2 (MANE Select); coding-DNA position 223, C replaced by T.
Protein change: p.Arg75Trp; replaces arginine 75 with tryptophan.
Molecular consequence: missense variant.
Genome position (GRCh38, 1-based): chr2:240,788,191, G>A on the plus strand (C>T on the coding strand, the complement: KIF1A is on the minus strand). VCF-style: chr2-240788191-G-A. GRCh37 (hg19) VCF-style: chr2-241727608-G-A.
Other names: c.223C>T, p.Arg75Trp (NM_001320705.2, NM_001330289.2, NM_001330290.2 and 20 more transcripts); short protein forms R75W.
Identifiers: ClinVar variation 191158 (VCV000191158.28), dbSNP rs778224699, ClinGen allele CA236139.